The following is an entry in ClinVar:

ClinVar aggregate classification (germline): Uncertain significance (1 of 4 stars; one submission).

Allele frequency attached by ClinVar (database versions not stated): gnomAD exomes below 0.00001; ExAC 0.00001.
gnomAD v4.1: 2 of 1,612,966 alleles (0.00012%); highest among the groups gnomAD compares: African/African-American, 0.0027%; no homozygotes.

Submission:

Labcorp Genetics (formerly Invitae), Labcorp
Classification: Uncertain significance. Last evaluated: 2024-10-26. Review status: criteria provided, single submitter. Criteria: Invitae Variant Classification Sherloc (09022015). Collection method: clinical testing. Allele origin: germline.
Comment: This sequence change replaces methionine, which is neutral and non-polar, with leucine, which is neutral and non-polar, at codon 694 of the VCAN protein (p.Met694Leu). This variant is present in population databases (rs757585886, gnomAD 0.0009%). This variant has not been reported in the literature in individuals affected with VCAN-related conditions. ClinVar contains an entry for this variant (Variation ID: 1516446). An algorithm developed to predict the effect of missense changes on protein structure and function outputs the following: PolyPhen-2: "Benign". The leucine amino acid residue is found in multiple mammalian species, which suggests that this missense change does not adversely affect protein function. In summary, the available evidence is currently insufficient to determine the role of this variant in disease. Therefore, it has been classified as a Variant of Uncertain Significance.

NM_004385.5(VCAN):c.2080A>T (p.Met694Leu)

Gene: VCAN (versican; plus strand). Cytogenetic location: 5q14.3.
Variant type: single nucleotide variant.
Coding change: c.2080A>T on transcript NM_004385.5 (MANE Select); coding-DNA position 2080, A replaced by T.
Protein change: p.Met694Leu; replaces methionine 694 with leucine.
Molecular consequence: missense variant. On other transcripts: intron variant (2).
Genome position (GRCh38, 1-based): chr5:83,520,386, A>T. VCF-style: chr5-83520386-A-T. GRCh37 (hg19) VCF-style: chr5-82816205-A-T.
Other names: c.2080A>T, p.Met694Leu (NM_001164098.2); c.1042+7990A>T (NM_001164097.2, NM_001126336.3); short protein forms M694L.
Identifiers: ClinVar variation 1516446 (VCV001516446.7), dbSNP rs757585886, ClinGen allele CA3332780.